The following is an entry in ClinVar:

NM_002381.5(MATN3):c.1394T>G (p.Leu465Arg)

Genes: MATN3 (matrilin 3; minus strand), WDR35-DT (WDR35 divergent transcript; plus strand). Cytogenetic location: 2p24.1.
Variant type: single nucleotide variant.
Coding change: c.1394T>G on transcript NM_002381.5 (MANE Select); coding-DNA position 1394, T replaced by G.
Protein change: p.Leu465Arg; replaces leucine 465 with arginine.
Molecular consequence: missense variant.
Genome position (GRCh38, 1-based): chr2:19,994,310, A>C on the plus strand (T>G on the coding strand, the complement: MATN3 is on the minus strand). VCF-style: chr2-19994310-A-C. GRCh37 (hg19) VCF-style: chr2-20194071-A-C.
Other names: short protein forms L465R.
Identifiers: ClinVar variation 2253235 (VCV002253235.4), dbSNP rs983174463, ClinGen allele CA43396218.

ClinVar aggregate classification (germline): Uncertain significance. Review status: criteria provided, multiple submitters, no conflicts (2 of 4 stars). 2 submissions from 2 submitters: Uncertain significance (2). Last evaluated 2025-12-17.

Conditions:
Inborn genetic diseases. Identifiers: MedGen C0950123, MeSH D030342.

gnomAD v4.1: 2 of 1,610,436 alleles (0.00012%); highest among the groups gnomAD compares: Admixed American, 0.0033%; no homozygotes.

Submissions (2):

Labcorp Genetics (formerly Invitae), Labcorp
Classification: Uncertain significance. Last evaluated: 2025-12-17. Review status: criteria provided, single submitter. Criteria: Invitae Variant Classification Sherloc (09022015). Collection method: clinical testing. Allele origin: germline.
Comment: This sequence change replaces leucine, which is neutral and non-polar, with arginine, which is basic and polar, at codon 465 of the MATN3 protein (p.Leu465Arg). This variant is not present in population databases (gnomAD no frequency). This variant has not been reported in the literature in individuals affected with MATN3-related conditions. ClinVar contains an entry for this variant (Variation ID: 2253235). An algorithm developed to predict the effect of missense changes on protein structure and function (PolyPhen-2) suggests that this variant is likely to be disruptive. In summary, the available evidence is currently insufficient to determine the role of this variant in disease. Therefore, it has been classified as a Variant of Uncertain Significance.

Ambry Genetics
Classification: Uncertain significance for Inborn genetic diseases. Last evaluated: 2021-10-06. Review status: criteria provided, single submitter. Criteria: Ambry Variant Classification Scheme 2023. Collection method: clinical testing. Allele origin: germline.